The following is an entry in ClinVar:

NM_017802.4(DNAAF5):c.129G>A (p.Lys43=)

Genes: DNAAF5 (dynein axonemal assembly factor 5; plus strand), PRKAR1B (protein kinase cAMP-dependent type I regulatory subunit beta; minus strand), LOC129997730 (ATAC-STARR-seq lymphoblastoid silent region 17816; plus strand). Cytogenetic location: 7p22.3.
Variant type: single nucleotide variant.
Coding change: c.129G>A on transcript NM_017802.4 (MANE Select); coding-DNA position 129, G replaced by A.
Protein change: p.Lys43=; no amino-acid change (lysine 43 retained).
Molecular consequence: synonymous variant. On other transcripts: non-coding transcript variant (1), intron variant (3).
Genome position (GRCh38, 1-based): chr7:726,849, G>A. VCF-style: chr7-726849-G-A. GRCh37 (hg19) VCF-style: chr7-766486-G-A.
Other names: c.-23+806C>T (NM_001164759.1); c.-23+741C>T (NM_001164758.2); c.-23+361C>T (NM_001164760.2); c.129G>A (NM_017802.3).
Identifiers: ClinVar variation 1093669 (VCV001093669.33), dbSNP rs1039124490, ClinGen allele CA152333368.

ClinVar aggregate classification (germline): Likely benign. Review status: criteria provided, multiple submitters, no conflicts (2 of 4 stars). 3 submissions from 3 submitters: Likely benign (3). Last evaluated 2026-01-12.

Conditions:
Primary ciliary dyskinesia. Also called: Ciliary dyskinesia. Identifiers: Orphanet 244, MedGen C0008780, MONDO:0016575, HP:0012265.

Allele frequency attached by ClinVar (database versions not stated): gnomAD 0.00003 and 0.00004; TOPMed 0.00003; gnomAD exomes 0.00013.
gnomAD v4.1: 29 of 1,321,018 alleles (0.0022%); highest among the groups gnomAD compares: South Asian, 0.004%; no homozygotes.

Submissions (3):

Ambry Genetics
Classification: Likely benign for Primary ciliary dyskinesia. Last evaluated: 2026-01-12. Review status: criteria provided, single submitter. Criteria: Ambry Variant Classification Scheme 2023. Collection method: clinical testing. Allele origin: germline.

Labcorp Genetics (formerly Invitae), Labcorp
Classification: Likely benign for Primary ciliary dyskinesia. Last evaluated: 2025-10-13. Review status: criteria provided, single submitter. Criteria: Invitae Variant Classification Sherloc (09022015). Collection method: clinical testing. Allele origin: germline.

CeGaT Center for Human Genetics Tuebingen
Classification: Likely benign. Last evaluated: 2023-04-01. Review status: criteria provided, single submitter. Criteria: CeGaT Center For Human Genetics Tuebingen Variant Classification Criteria Version 2. Collection method: clinical testing. Allele origin: germline. Affected: yes. Observed: 1 variant allele.
Comment: DNAAF5: BP4, BP7